The following is an entry in ClinVar:

ClinVar aggregate classification (germline): Conflicting classifications of pathogenicity. Review status: criteria provided, conflicting classifications (1 of 4 stars). 11 submissions from 10 submitters: Uncertain significance (7); Likely benign (3). 1 of the submissions does not count toward it. Last evaluated 2026-09-01.

Conditions:
WFS1-related disorder. Identifiers: MedGen CN379391, MONDO:0700293.
WFS1-Related Spectrum Disorders.
Wolfram-like syndrome. Also called: HEARING LOSS, PROGRESSIVE, WITH OPTIC ATROPHY AND/OR IMPAIRED GLUCOSE REGULATION. Identifiers: Orphanet 411590, MedGen C3280358, MONDO:0013673, OMIM 614296.
Type 2 diabetes mellitus. Also called: Type II diabetes mellitus. Identifiers: MedGen C0011860, MeSH D003924, MONDO:0005148, OMIM 125853, HP:0005978.
Wolfram syndrome 1 (WFS1). Identifiers: Orphanet 3463, MedGen C4551693, MONDO:0009101, OMIM 222300.
Cataract 41 (CTRCT41). Also called: CATARACT 41, CONGENITAL NUCLEAR TYPE. Identifiers: Orphanet 91492, Orphanet 98991, Orphanet 98992, Orphanet 98995, MedGen C3805412, MONDO:0007287, OMIM 116400.
Autosomal dominant nonsyndromic hearing loss 6 (LFSNHL). Also called: DEAFNESS, AUTOSOMAL DOMINANT 6; DEAFNESS, AUTOSOMAL DOMINANT 14; DEAFNESS, AUTOSOMAL DOMINANT 38; Autosomal dominant nonsyndromic deafness 6. Identifiers: Orphanet 90635, MedGen C1833021, MONDO:0010963, OMIM 600965.
Inborn genetic diseases. Identifiers: MedGen C0950123, MeSH D030342.

Allele frequency attached by ClinVar (database versions not stated): gnomAD 0.00007 and 0.00009; TOPMed 0.00012; ExAC 0.00014; ESP Exome Variant Server 0.00015; gnomAD exomes 0.00015.
gnomAD v4.1: 111 of 1,612,846 alleles (0.0069%); highest among the groups gnomAD compares: East Asian, 0.022%; no homozygotes.

Submissions (11):

CeGaT Center for Human Genetics Tuebingen
Classification: Likely benign. Last evaluated: 2026-09-01. Review status: criteria provided, single submitter. Criteria: CeGaT Center For Human Genetics Tuebingen Variant Classification Criteria Version 2. Collection method: clinical testing. Allele origin: germline. Affected: yes. Observed: 2 variant alleles.
Comment: WFS1: BP4

Labcorp Genetics (formerly Invitae), Labcorp
Classification: Likely benign. Last evaluated: 2025-07-31. Review status: criteria provided, single submitter. Criteria: Invitae Variant Classification Sherloc (09022015). Collection method: clinical testing. Allele origin: germline.

Blueprint Genetics
Classification: Uncertain significance. Last evaluated: 2024-11-26. Review status: criteria provided, single submitter. Criteria: ACMG Guidelines, 2015. Collection method: clinical testing. Allele origin: germline.

GeneDx
Classification: Uncertain significance. Last evaluated: 2024-08-13. Review status: criteria provided, single submitter. Criteria: GeneDx Variant Classification Process June 2021. Collection method: clinical testing. Allele origin: germline. Affected: yes.
Comment: Reported in an individual with early-onset diabetes mellitus; patient specific information was not provided (PMID: 37277527); In silico analysis indicates that this missense variant does not alter protein structure/function; This variant is associated with the following publications: (PMID: 37277527)

Fulgent Genetics
Classification: Uncertain significance for Cataract 41; Type 2 diabetes mellitus; Wolfram syndrome 1; Autosomal dominant nonsyndromic hearing loss 6; Wolfram-like syndrome. Last evaluated: 2024-04-17. Review status: criteria provided, single submitter. Criteria: ACMG Guidelines, 2015. Collection method: clinical testing. Allele origin: germline.

Ambry Genetics
Classification: Uncertain significance for Inborn genetic diseases. Last evaluated: 2024-03-05. Review status: criteria provided, single submitter. Criteria: Ambry Variant Classification Scheme 2023. Collection method: clinical testing. Allele origin: germline.
Comment: Unlikely to be causative of autosomal dominant WFS1-related Wolfram syndrome Based on insufficient or conflicting evidence, the clinical significance of this alteration remains unclear.

Laboratory for Molecular Medicine, Mass General Brigham Personalized Medicine
Classification: Uncertain significance. Last evaluated: 2018-08-02. Review status: criteria provided, single submitter. Criteria: LMM Criteria. Collection method: clinical testing. Allele origin: germline. Observed: 1 variant allele.
Comment: Variant classified as Uncertain Significance - Favor Benign. The p.Phe783Leu var iant in WFS1 has not been previously reported in individuals with hearing loss, but has been identified in 0.11% (12/10056) of Ashkenazi Jewish chromosomes and 11/18810 East Asian chromosomes by the Genome Aggregation Database (gnomAD). This variant has been reported in ClinVar (Varia tion ID: 211079). Phenylalanine (Phe) at position 783 is not conserved in mammal s or evolutionarily distant species and 16 species, including 2 mammals, carry a Leucine (Leu) at this position, raising the possibility that this change may be tolerated. Additional computational prediction tools suggest that the p.Phe783L eu variant may not impact the protein, though this information is not predictive enough to rule out pathogenicity. In summary, while the clinical significance o f the p.Phe783Leu variant is uncertain, these data suggest that it is more likel y to be benign. ACMG/AMP Criteria applied: BP4.

Illumina Laboratory Services, Illumina
Classification: Uncertain significance for Autosomal dominant nonsyndromic hearing loss 6. Last evaluated: 2018-01-15. Review status: criteria provided, single submitter. Criteria: ICSL Variant Classification Criteria 13 December 2019. Collection method: clinical testing. Allele origin: germline.

Illumina Laboratory Services, Illumina
Classification: Uncertain significance for WFS1-Related Spectrum Disorders. Last evaluated: 2018-01-15. Review status: criteria provided, single submitter. Criteria: ICSL Variant Classification Criteria 13 December 2019. Collection method: clinical testing. Allele origin: germline.

Clinical Genomics, Uppaluri K&H Personalized Medicine Clinic
Classification: Likely benign for Wolfram syndrome 1. Review status: criteria provided, single submitter. Criteria: K & H Uppaluri Personalized Medicine Clinic Variant Classification & Assertion Criteria_Updated V.1. Collection method: research. Allele origin: unknown. Inheritance: Autosomal recessive inheritance.
Comment: Potent mutations in WFS1 gene are associated with Wolfram's syndrome, an autosomal recessive condition, which cause diabetes mellitus, diabetes insipidus, deafness and optic atrophy. However no sufficient evidence is found to ascertain the role of this particular variant rs71526461 in Wolfram's syndrome yet.

PreventionGenetics, part of Exact Sciences
Classification: Uncertain significance for WFS1-related condition. Last evaluated: 2024-02-02. Review status: no assertion criteria provided. Collection method: clinical testing. Allele origin: germline. Not counted in ClinVar's aggregate classification.
Comment: The WFS1 c.2347T>C variant is predicted to result in the amino acid substitution p.Phe783Leu. This variant has been reported in an individual with diabetes (Li et al. 2023. PubMed ID: 37277527). This variant is reported in 0.11% of alleles in individuals of Ashkenazi Jewish descent in gnomAD. Although we suspect that this variant may be benign, at this time, the clinical significance of this variant is uncertain due to the absence of conclusive functional and genetic evidence.

Literature cited by the submitters: PubMed 20738327 (cited by Clinical Genomics, Uppaluri K&H Personalized Medicine Clinic); PubMed 33879153 (cited by Clinical Genomics, Uppaluri K&H Personalized Medicine Clinic); PubMed 12955714 (cited by Clinical Genomics, Uppaluri K&H Personalized Medicine Clinic); PubMed 18060660 (cited by Clinical Genomics, Uppaluri K&H Personalized Medicine Clinic); PubMed 20301750 (cited by Clinical Genomics, Uppaluri K&H Personalized Medicine Clinic); PubMed 17603484 (cited by Clinical Genomics, Uppaluri K&H Personalized Medicine Clinic).

NM_006005.3(WFS1):c.2347T>C (p.Phe783Leu)

Gene: WFS1 (wolframin ER transmembrane glycoprotein; plus strand). Cytogenetic location: 4p16.1.
Variant type: single nucleotide variant.
Coding change: c.2347T>C on transcript NM_006005.3 (MANE Select); coding-DNA position 2347, T replaced by C.
Protein change: p.Phe783Leu; replaces phenylalanine 783 with leucine.
Molecular consequence: missense variant.
Genome position (GRCh38, 1-based): chr4:6,302,142, T>C. VCF-style: chr4-6302142-T-C. GRCh37 (hg19) VCF-style: chr4-6303869-T-C.
Other names: c.2347T>C, p.Phe783Leu (NM_001145853.1); short protein forms F783L.
Identifiers: ClinVar variation 215370 (VCV000215370.44), dbSNP rs71526461, ClinGen allele CA323353.
Genomic context (GRCh38, chr4:6,302,142, plus strand): 5'-CACCCCTGCCACATCAAGAAGTTCGACCGCTACAAGTTTGAGATTACCGTGGGCATGCCA[T>C]TCAGCAGCGGCGCTGACGGCTCGCGCAGCCGCGAGGAGGACGACGTCACCAAGGACATCG-3'
Protein context (NP_005996.2, residues 773-793): YKFEITVGMP[Phe783Leu]SSGADGSRSR